The following is an entry in ClinVar:

ClinVar aggregate classification (germline): Uncertain significance. Review status: criteria provided, multiple submitters, no conflicts (2 of 4 stars). 2 submissions from 2 submitters: Uncertain significance (2). Last evaluated 2022-03-05.

Conditions:
Charcot-Marie-Tooth disease dominant intermediate E. Also called: CHARCOT-MARIE-TOOTH NEUROPATHY WITH FOCAL SEGMENTAL GLOMERULONEPHRITIS. Identifiers: Orphanet 93114, MedGen C4302667, MONDO:0013758, OMIM 614455.
Focal segmental glomerulosclerosis 5 (FSGS5). Identifiers: Orphanet 656, MedGen C2750475, MONDO:0013191, OMIM 613237.

Submissions (2):

Fulgent Genetics
Classification: Uncertain significance for Focal segmental glomerulosclerosis 5; Charcot-Marie-Tooth disease dominant intermediate E. Last evaluated: 2022-03-05. Review status: criteria provided, single submitter. Criteria: ACMG Guidelines, 2015. Collection method: clinical testing. Allele origin: unknown.

Labcorp Genetics (formerly Invitae), Labcorp
Classification: Uncertain significance for Charcot-Marie-Tooth disease dominant intermediate E; Focal segmental glomerulosclerosis 5. Last evaluated: 2021-10-03. Review status: criteria provided, single submitter. Criteria: Invitae Variant Classification Sherloc (09022015). Collection method: clinical testing. Allele origin: germline.
Comment: In summary, the available evidence is currently insufficient to determine the role of this variant in disease. Therefore, it has been classified as a Variant of Uncertain Significance. Algorithms developed to predict the effect of missense changes on protein structure and function are either unavailable or do not agree on the potential impact of this missense change (SIFT: "Tolerated"; PolyPhen-2: "Not Available"; Align-GVGD: "Class C0"). This variant has not been reported in the literature in individuals affected with INF2-related conditions. The frequency data for this variant in the population databases is considered unreliable, as metrics indicate insufficient coverage at this position in the ExAC database. This sequence change replaces glutamic acid with aspartic acid at codon 436 of the INF2 protein (p.Glu436Asp). The glutamic acid residue is weakly conserved and there is a small physicochemical difference between glutamic acid and aspartic acid.

NM_022489.4(INF2):c.1308G>T (p.Glu436Asp)

Gene: INF2 (inverted formin 2; plus strand). Cytogenetic location: 14q32.33.
Variant type: single nucleotide variant.
Coding change: c.1308G>T on transcript NM_022489.4 (MANE Select); coding-DNA position 1308, G replaced by T.
Protein change: p.Glu436Asp; replaces glutamic acid 436 with aspartic acid.
Molecular consequence: missense variant.
Genome position (GRCh38, 1-based): chr14:104,707,575, G>T. VCF-style: chr14-104707575-G-T. GRCh37 (hg19) VCF-style: chr14-105173912-G-T.
Other names: c.1308G>T, p.Glu436Asp (NM_001031714.4); short protein forms E436D.
Identifiers: ClinVar variation 1522421 (VCV001522421.7), dbSNP rs1566781633, ClinGen allele CA391216520.
Genomic context (GRCh38, chr14:104,707,575, plus strand): 5'-GCAGGCGTCCACCCCACCCCCACCCCCACCCCCACCCCTGCTCCCTGGTTCCAGTGCCGA[G>T]CCCCCTCCCCCTCCCCCACCACCCCCCCTGCCCAGTGTGGGGGCTAAGGCCCTCCCAACA-3'
Protein context (NP_071934.3, residues 426-446): PPPLLPGSSA[Glu436Asp]PPPPPPPPPL